The following is an entry in ClinVar:

NM_006297.3(XRCC1):c.1196A>G (p.Gln399Arg)

Gene: XRCC1 (X-ray repair cross complementing 1; minus strand). Cytogenetic location: 19q13.31.
Variant type: single nucleotide variant.
Coding change: c.1196A>G on transcript NM_006297.3 (MANE Select); coding-DNA position 1196, A replaced by G.
Protein change: p.Gln399Arg; replaces glutamine 399 with arginine.
Molecular consequence: missense variant.
Genome position (GRCh38, 1-based): chr19:43,551,574, T>C on the plus strand (A>G on the coding strand, the complement: XRCC1 is on the minus strand). VCF-style: chr19-43551574-T-C. GRCh37 (hg19) VCF-style: chr19-44055726-T-C.
Other names: short protein forms Q399R.
Identifiers: ClinVar variation 225976 (VCV000225976.6), dbSNP rs25487, ClinGen allele CA9488516.
Genomic context (GRCh38, chr19:43,551,574, plus strand): 5'-GATTCCTGGCATTGCCCAGCACAGGATAAGGAGCAGGGTTGGCGTGTGAGGCCTTACCTC[T>C]GGGAGGGCAGCCGCCGACGCATGCGGTGACAGTCCAGCACCCACTCCTTACGCACGATGC-3'
Protein context (NP_006288.2, residues 389-409): CHRMRRRLPS[Gln399Arg]RYLMAGPGSS

ClinVar aggregate classification (germline): drug response. Review status: reviewed by expert panel (3 of 4 stars). 3 submissions from 3 submitters: drug response (1). 2 of the submissions do not count toward it. Last evaluated 2021-03-24.

Conditions:
Spinocerebellar ataxia, autosomal recessive 26. Identifiers: MedGen C4539948, MONDO:0033116, OMIM 617633.
Platinum compounds response - Efficacy.

Allele frequency attached by ClinVar (database versions not stated): TOPMed 0.71906; 1000 Genomes Project 30x 0.74172; gnomAD exomes 0.65127 and 0.68062; gnomAD 0.71207 and 0.71503; 1000 Genomes Project 0.73962; ExAC 0.68340; ESP Exome Variant Server 0.70921.
gnomAD v4.1: 1,060,667 of 1,613,104 alleles (66%); highest among the groups gnomAD compares: African/African-American, 85%; 351,454 homozygotes.

Submissions (3):

ClinPGx
Classification: drug response for Platinum compounds response - Efficacy. Last evaluated: 2021-03-24. Review status: reviewed by expert panel. Criteria: Pharmacogenomics knowledge for personalized medicine. Collection method: curation. Allele origin: germline. Affected: yes.
Comment: PharmGKB Level of Evidence 2B: Variants in Level 2B clinical annotations are not in PharmGKB’s Tier 1 VIPs. These clinical annotations describe variant-drug combinations with a moderate level of evidence supporting the association. For example, the association may be found in multiple cohorts, but there may be a minority of studies that do not support the majority assertion. Level 2B clinical annotations must be supported by at least two independent publications.

Drug is not necessarily used to treat response condition

Genome-Nilou Lab
Classification: Benign for Spinocerebellar ataxia, autosomal recessive 26. Last evaluated: 2021-12-05. Review status: criteria provided, single submitter. Criteria: ACMG Guidelines, 2015. Collection method: clinical testing. Allele origin: germline. Affected: no. Not counted in ClinVar's aggregate classification.

GeneDx
Classification: Benign. Last evaluated: 2020-07-31. Review status: criteria provided, single submitter. Criteria: GeneDx Variant Classification Process June 2021. Collection method: clinical testing. Allele origin: germline. Affected: yes. Not counted in ClinVar's aggregate classification.
Comment: This variant is associated with the following publications: (PMID: 21427728, 15113441, 19481337, 11782372, 23479765, 14630517, 21843798, 22053659, 22951806, 24176953, 22224629, 22106831, 23360319, 21987112, 21928248, 18641418, 22193858, 19012493, 22525558, 22712837, 19880550, 22302399, 22983827, 21617750, 20431719, 23499241, 19465687, 20385586, 18357393, 21647176, 19051060, 23055018, 17961713, 22868082, 22568010, 19428062, 11104903, 24205020)

Literature cited by the submitters: PubMed 16875718 (cited by ClinPGx); PubMed 19362955 (cited by ClinPGx); PubMed 20530282 (cited by ClinPGx); PubMed 21057378 (cited by ClinPGx); PubMed 22026922 (cited by ClinPGx); PubMed 22188361 (cited by ClinPGx); PubMed 22761669 (cited by ClinPGx); PubMed 24224851 (cited by ClinPGx); PubMed 24446315 (cited by ClinPGx); PubMed 25025378 (cited by ClinPGx); PubMed 25232828 (cited by ClinPGx); PubMed 27248474 (cited by ClinPGx); PubMed 27636246 (cited by ClinPGx); PubMed 28422153 (cited by ClinPGx); PubMed 28743242 (cited by ClinPGx); PubMed 29662106 (cited by ClinPGx).